The following is an entry in ClinVar:

ClinVar aggregate classification (germline): Conflicting classifications of pathogenicity. Review status: criteria provided, conflicting classifications (1 of 4 stars). 2 submissions from 2 submitters: Uncertain significance (1); Likely benign (1). Last evaluated 2026-07-15.

Conditions:
CACNA1F-related disorder. Also called: CACNA1F-related condition.

Allele frequency attached by ClinVar (database versions not stated): TOPMed 0.00002; ExAC 0.00005; gnomAD exomes 0.00009.
gnomAD v4.1: 20 of 1,204,793 alleles (0.0017%); highest among the groups gnomAD compares: Admixed American, 0.039%; 1 homozygote.

Submissions (2):

PreventionGenetics, part of Exact Sciences
Classification: Likely benign for CACNA1F-related condition. Last evaluated: 2026-07-15. Review status: criteria provided, single submitter. Criteria: ACMG Guidelines, 2015. Collection method: clinical testing. Allele origin: germline.
Comment: This variant is classified as likely benign based on ACMG/AMP sequence variant interpretation guidelines (Richards et al. 2015 PMID: 25741868, with internal and published modifications).

Labcorp Genetics (formerly Invitae), Labcorp
Classification: Uncertain significance. Last evaluated: 2025-12-18. Review status: criteria provided, single submitter. Criteria: Invitae Variant Classification Sherloc (09022015). Collection method: clinical testing. Allele origin: germline.
Comment: This sequence change replaces threonine, which is neutral and polar, with asparagine, which is neutral and polar, at codon 1765 of the CACNA1F protein (p.Thr1765Asn). This variant is present in population databases (rs782291247, gnomAD 0.05%), and has an allele count higher than expected for a pathogenic variant. This variant has not been reported in the literature in individuals affected with CACNA1F-related conditions. ClinVar contains an entry for this variant (Variation ID: 1001425). An algorithm developed to predict the effect of missense changes on protein structure and function (PolyPhen-2) suggests that this variant is likely to be tolerated. In summary, the available evidence is currently insufficient to determine the role of this variant in disease. Therefore, it has been classified as a Variant of Uncertain Significance.

NM_001256789.3(CACNA1F):c.5261C>A (p.Thr1754Asn)

Gene: CACNA1F (calcium voltage-gated channel subunit alpha1 F; minus strand). Cytogenetic location: Xp11.23.
Variant type: single nucleotide variant.
Coding change: c.5261C>A on transcript NM_001256789.3 (MANE Select); coding-DNA position 5261, C replaced by A.
Protein change: p.Thr1754Asn; replaces threonine 1754 with asparagine.
Molecular consequence: missense variant.
Genome position (GRCh38, 1-based): chrX:49,206,826, G>T on the plus strand (C>A on the coding strand, the complement: CACNA1F is on the minus strand). VCF-style: chrX-49206826-G-T. GRCh37 (hg19) VCF-style: chrX-49063287-G-T.
Other names: c.5099C>A, p.Thr1700Asn (NM_001256790.3); c.5294C>A, p.Thr1765Asn (NM_005183.4); c.5294C>A (NM_005183.3); short protein forms T1700N, T1754N, T1765N.
Identifiers: ClinVar variation 1001425 (VCV001001425.7), dbSNP rs782291247, ClinGen allele CA10410015.